The following is an entry in ClinVar:

NM_000245.4(MET):c.2730+105T>C

Gene: MET (MET proto-oncogene, receptor tyrosine kinase; plus strand). Cytogenetic location: 7q31.2.
Variant type: single nucleotide variant.
Coding change: c.2730+105T>C on transcript NM_000245.4 (MANE Select); 105 bases into the intron after coding-DNA position 2730, T replaced by C.
Molecular consequence: intron variant.
Genome position (GRCh38, 1-based): chr7:116,769,896, T>C. VCF-style: chr7-116769896-T-C. GRCh37 (hg19) VCF-style: chr7-116409950-T-C.
Other names: c.2784+105T>C (NM_001127500.3); c.1440+105T>C (NM_001324402.2).
Identifiers: ClinVar variation 677866 (VCV000677866.2), dbSNP rs76731671, ClinGen allele CA4448571.
Genomic context (GRCh38, chr7:116,769,896, plus strand): 5'-TGTAATTATGTTATTCTCAGGCTTAAAATAAATCATTAAAGCTCATTTATGTGTGGGTTT[T>C]GGCTCATCAACTCAGCCTGCATTCCTAGTTGTTATTTTAGAAATAGTGAGCTTTTTGCCA-3'

ClinVar aggregate classification (germline): Likely benign. Review status: criteria provided, multiple submitters, no conflicts (2 of 4 stars). 2 submissions from 2 submitters: Likely benign (2). Last evaluated 2018-06-20.

Allele frequency attached by ClinVar (database versions not stated): 1000 Genomes Project 30x 0.00874; 1000 Genomes Project 0.00879; TOPMed 0.02114; gnomAD exomes 0.02342 and 0.02981; gnomAD 0.02362 and 0.02449; ExAC 0.02914.
gnomAD v4.1: 44,137 of 1,520,090 alleles (2.9%); highest among the groups gnomAD compares: Non-Finnish European, 3.4%; 697 homozygotes.

Submissions (2):

GeneDx
Classification: Likely benign. Last evaluated: 2018-06-20. Review status: criteria provided, single submitter. Criteria: GeneDx Variant Classification (06012015). Collection method: clinical testing. Allele origin: germline. Affected: yes.
Comment: This variant is considered likely benign or benign based on one or more of the following criteria: it is a conservative change, it occurs at a poorly conserved position in the protein, it is predicted to be benign by multiple in silico algorithms, and/or has population frequency not consistent with disease.

Breakthrough Genomics
Classification: Likely benign. Review status: criteria provided, single submitter. Criteria: ACMG Guidelines, 2015. Collection method: not provided. Allele origin: germline. Inheritance: Autosomal recessive inheritance. Affected: yes.